The following is an entry in ClinVar:

ClinVar aggregate classification (germline): Uncertain significance (1 of 4 stars; one submission).

Conditions:
Epileptic encephalopathy. Identifiers: MedGen C0543888, HP:0200134.

Allele frequency attached by ClinVar (database versions not stated): gnomAD 0.00001; ExAC 0.00002; gnomAD exomes 0.00002; TOPMed 0.00002.
gnomAD v4.1: 15 of 1,613,798 alleles (0.00093%); highest among the groups gnomAD compares: Admixed American, 0.0067%; no homozygotes.

Submission:

Labcorp Genetics (formerly Invitae), Labcorp
Classification: Uncertain significance for Epileptic encephalopathy. Last evaluated: 2022-11-29. Review status: criteria provided, single submitter. Criteria: Invitae Variant Classification Sherloc (09022015). Collection method: clinical testing. Allele origin: germline.
Comment: In summary, the available evidence is currently insufficient to determine the role of this variant in disease. Therefore, it has been classified as a Variant of Uncertain Significance. Algorithms developed to predict the effect of missense changes on protein structure and function are either unavailable or do not agree on the potential impact of this missense change (SIFT: "Deleterious"; PolyPhen-2: "Benign"; Align-GVGD: "Class C0"). ClinVar contains an entry for this variant (Variation ID: 846666). This variant has not been reported in the literature in individuals affected with RYR3-related conditions. This variant is present in population databases (rs774736714, gnomAD 0.009%). This sequence change replaces valine, which is neutral and non-polar, with leucine, which is neutral and non-polar, at codon 824 of the RYR3 protein (p.Val824Leu).

NM_001036.6(RYR3):c.2470G>C (p.Val824Leu)

Gene: RYR3 (ryanodine receptor 3; plus strand). Cytogenetic location: 15q14.
Variant type: single nucleotide variant.
Coding change: c.2470G>C on transcript NM_001036.6 (MANE Select); coding-DNA position 2470, G replaced by C.
Protein change: p.Val824Leu; replaces valine 824 with leucine.
Molecular consequence: missense variant.
Genome position (GRCh38, 1-based): chr15:33,623,919, G>C. VCF-style: chr15-33623919-G-C. GRCh37 (hg19) VCF-style: chr15-33916120-G-C.
Other names: c.2470G>C, p.Val824Leu (NM_001243996.4); short protein forms V824L.
Identifiers: ClinVar variation 846666 (VCV000846666.9), dbSNP rs774736714, ClinGen allele CA7458434.